The following is an entry in ClinVar:

ClinVar aggregate classification (germline): Uncertain significance (1 of 4 stars; one submission).

Conditions:
Adams-Oliver syndrome 5 (AOS5). Identifiers: Orphanet 974, MedGen C4014970, MONDO:0014459, OMIM 616028.

Submission:

Labcorp Genetics (formerly Invitae), Labcorp
Classification: Uncertain significance for Adams-Oliver syndrome 5. Last evaluated: 2025-08-21. Review status: criteria provided, single submitter. Criteria: Invitae Variant Classification Sherloc (09022015). Collection method: clinical testing. Allele origin: germline.
Comment: This sequence change replaces serine, which is neutral and polar, with tyrosine, which is neutral and polar, at codon 1856 of the NOTCH1 protein (p.Ser1856Tyr). This variant is not present in population databases (gnomAD no frequency). This variant has not been reported in the literature in individuals affected with NOTCH1-related conditions. ClinVar contains an entry for this variant (Variation ID: 1715221). Invitae Evidence Modeling of protein sequence and biophysical properties (such as structural, functional, and spatial information, amino acid conservation, physicochemical variation, residue mobility, and thermodynamic stability) indicates that this missense variant is not expected to disrupt NOTCH1 protein function with a negative predictive value of 80%. In summary, the available evidence is currently insufficient to determine the role of this variant in disease. Therefore, it has been classified as a Variant of Uncertain Significance.

NM_017617.5(NOTCH1):c.5567C>A (p.Ser1856Tyr)

Gene: NOTCH1 (notch receptor 1; minus strand). Cytogenetic location: 9q34.3.
Variant type: single nucleotide variant.
Coding change: c.5567C>A on transcript NM_017617.5 (MANE Select); coding-DNA position 5567, C replaced by A.
Protein change: p.Ser1856Tyr; replaces serine 1856 with tyrosine.
Molecular consequence: missense variant.
Genome position (GRCh38, 1-based): chr9:136,501,819, G>T on the plus strand (C>A on the coding strand, the complement: NOTCH1 is on the minus strand). VCF-style: chr9-136501819-G-T. GRCh37 (hg19) VCF-style: chr9-139396271-G-T.
Other names: short protein forms S1856Y.
Identifiers: ClinVar variation 1715221 (VCV001715221.5), dbSNP rs2133328837, ClinGen allele CA375639130.